The following is an entry in ClinVar:

NM_000245.4(MET):c.805C>T (p.Leu269=)

Gene: MET (MET proto-oncogene, receptor tyrosine kinase; plus strand). Cytogenetic location: 7q31.2.
Variant type: single nucleotide variant.
Coding change: c.805C>T on transcript NM_000245.4 (MANE Select); coding-DNA position 805, C replaced by T.
Protein change: p.Leu269=; no amino-acid change (leucine 269 retained).
Molecular consequence: synonymous variant. On other transcripts: intron variant (1).
Genome position (GRCh38, 1-based): chr7:116,699,889, C>T. VCF-style: chr7-116699889-C-T. GRCh37 (hg19) VCF-style: chr7-116339943-C-T.
Other names: c.805C>T, p.Leu269= (NM_001127500.3, NM_001324401.3); c.-91+27312C>T (NM_001324402.2).
Identifiers: ClinVar variation 485756 (VCV000485756.17), dbSNP rs781257386, ClinGen allele CA4448032.
Genomic context (GRCh38, chr7:116,699,889, plus strand): 5'-TATGTCCATGCCTTTGAAAGCAACAATTTTATTTACTTCTTGACGGTCCAAAGGGAAACT[C>T]TAGATGCTCAGACTTTTCACACAAGAATAATCAGGTTCTGTTCCATAAACTCTGGATTGC-3'
Protein context (NP_000236.2, residues 259-279): IYFLTVQRET[Leu269=]DAQTFHTRII

ClinVar aggregate classification (germline): Benign/Likely benign. Review status: criteria provided, multiple submitters, no conflicts (2 of 4 stars). 4 submissions from 4 submitters: Benign (1); Likely benign (3). Last evaluated 2026-02-03.

Conditions:
Renal cell carcinoma. Identifiers: Orphanet 217071, MedGen C0007134, MeSH D002292, MONDO:0005086, HP:0005584.
Hereditary cancer-predisposing syndrome. Also called: Tumor predisposition; Hereditary Cancer Syndrome; Hereditary neoplastic syndrome; Neoplastic Syndromes, Hereditary. Identifiers: Orphanet 140162, MedGen C0027672, MeSH D009386, MONDO:0015356.
Papillary renal cell carcinoma type 1 (RCCP1). Also called: RENAL CELL CARCINOMA, PAPILLARY, 1, SOMATIC; Renal adenocarcinoma; Renal cell carcinoma 1; Renal cell carcinoma, somatic. Identifiers: Orphanet 47044, MedGen C1336839, OMIM 605074, HP:0011797.

Allele frequency attached by ClinVar (database versions not stated): gnomAD exomes below 0.00001; ExAC 0.00001; gnomAD 0.00001; TOPMed 0.00002.
gnomAD v4.1: 3 of 1,613,980 alleles (0.00019%); highest among the groups gnomAD compares: African/African-American, 0.004%; no homozygotes.

Submissions (4):

Labcorp Genetics (formerly Invitae), Labcorp
Classification: Likely benign for Renal cell carcinoma. Last evaluated: 2026-02-03. Review status: criteria provided, single submitter. Criteria: Invitae Variant Classification Sherloc (09022015). Collection method: clinical testing. Allele origin: germline.

Myriad Genetics, Inc.
Classification: Benign for Papillary renal cell carcinoma type 1. Last evaluated: 2024-11-06. Review status: criteria provided, single submitter. Criteria: Myriad Autosomal Dominant, Autosomal Recessive and X-Linked Classification Criteria (2023). Collection method: clinical testing. Allele origin: unknown.
Comment: This variant is considered benign. This variant is a silent/synonymous amino acid change and it is not expected to impact splicing.

GeneDx
Classification: Likely benign. Last evaluated: 2018-03-08. Review status: criteria provided, single submitter. Criteria: GeneDx Variant Classification (06012015). Collection method: clinical testing. Allele origin: germline. Affected: yes.
Comment: This variant is considered likely benign or benign based on one or more of the following criteria: it is a conservative change, it occurs at a poorly conserved position in the protein, it is predicted to be benign by multiple in silico algorithms, and/or has population frequency not consistent with disease.

Ambry Genetics
Classification: Likely benign for Hereditary cancer-predisposing syndrome. Last evaluated: 2017-03-04. Review status: criteria provided, single submitter. Criteria: Ambry Variant Classification Scheme 2023. Collection method: clinical testing. Allele origin: germline.